The following is an entry in ClinVar:

NM_001297.5(CNGB1):c.721G>A (p.Ala241Thr)

Gene: CNGB1 (cyclic nucleotide gated channel subunit beta 1; minus strand). Cytogenetic location: 16q21.
Variant type: single nucleotide variant.
Coding change: c.721G>A on transcript NM_001297.5 (MANE Select); coding-DNA position 721, G replaced by A.
Protein change: p.Ala241Thr; replaces alanine 241 with threonine.
Molecular consequence: missense variant.
Genome position (GRCh38, 1-based): chr16:57,959,928, C>T on the plus strand (G>A on the coding strand, the complement: CNGB1 is on the minus strand). VCF-style: chr16-57959928-C-T. GRCh37 (hg19) VCF-style: chr16-57993832-C-T.
Other names: c.721G>A, p.Ala241Thr (NM_001135639.2); c.703G>A, p.Ala235Thr (NM_001286130.2); short protein forms A235T, A241T.
Identifiers: ClinVar variation 950571 (VCV000950571.12), dbSNP rs145325764, ClinGen allele CA8083711.

ClinVar aggregate classification (germline): Conflicting classifications of pathogenicity. Review status: criteria provided, conflicting classifications (1 of 4 stars). 4 submissions from 4 submitters: Uncertain significance (2); Likely benign (2). Last evaluated 2026-01-14.

Conditions:
Inborn genetic diseases. Identifiers: MedGen C0950123, MeSH D030342.
CNGB1-related disorder. Also called: CNGB1-related condition.

Allele frequency attached by ClinVar (database versions not stated): gnomAD exomes 0.00003 and 0.00007; ESP Exome Variant Server 0.00008; ExAC 0.00018; gnomAD 0.00024 and 0.00025; TOPMed 0.00029; 1000 Genomes Project 30x 0.00094; 1000 Genomes Project 0.00140.

Submissions (4):

Labcorp Genetics (formerly Invitae), Labcorp
Classification: Likely benign. Last evaluated: 2026-01-14. Review status: criteria provided, single submitter. Criteria: Invitae Variant Classification Sherloc (09022015). Collection method: clinical testing. Allele origin: germline.

Ambry Genetics
Classification: Uncertain significance for Inborn genetic diseases. Last evaluated: 2025-08-09. Review status: criteria provided, single submitter. Criteria: Ambry Variant Classification Scheme 2023. Collection method: clinical testing. Allele origin: germline.

PreventionGenetics, part of Exact Sciences
Classification: Uncertain significance for CNGB1-related condition. Last evaluated: 2024-11-08. Review status: criteria provided, single submitter. Criteria: ACMG Guidelines, 2015. Collection method: clinical testing. Allele origin: germline.
Comment: The CNGB1 c.721G>A variant is predicted to result in the amino acid substitution p.Ala241Thr. To our knowledge, this variant has not been reported in the literature. This variant is reported in 0.080% of alleles in individuals of African descent in gnomAD. Although we suspect that this variant may be benign, at this time, the clinical significance of this variant is uncertain due to the absence of conclusive functional and genetic evidence.

Blueprint Genetics
Classification: Likely benign. Last evaluated: 2022-06-02. Review status: criteria provided, single submitter. Criteria: ACMG Guidelines, 2015. Collection method: clinical testing. Allele origin: germline.